The following is an entry in ClinVar:

NM_005901.6(SMAD2):c.734C>G (p.Ser245Cys)

Gene: SMAD2 (SMAD family member 2; minus strand). Cytogenetic location: 18q21.1.
Variant type: single nucleotide variant.
Coding change: c.734C>G on transcript NM_005901.6 (MANE Select); coding-DNA position 734, C replaced by G.
Protein change: p.Ser245Cys; replaces serine 245 with cysteine.
Molecular consequence: missense variant.
Genome position (GRCh38, 1-based): chr18:47,851,324, G>C on the plus strand (C>G on the coding strand, the complement: SMAD2 is on the minus strand). VCF-style: chr18-47851324-G-C. GRCh37 (hg19) VCF-style: chr18-45377695-G-C.
Other names: c.734C>G, p.Ser245Cys (NM_001003652.4); c.644C>G, p.Ser215Cys (NM_001135937.3); short protein forms S215C, S245C.
Identifiers: ClinVar variation 1303595 (VCV001303595.4), dbSNP rs2144318948, ClinGen allele CA402504824.

ClinVar aggregate classification (germline): Uncertain significance (1 of 4 stars; one submission).

Allele frequency attached by ClinVar (database versions not stated): gnomAD exomes below 0.00001.
gnomAD v4.1: 2 of 1,606,332 alleles (0.00012%); highest among the groups gnomAD compares: Non-Finnish European, 0.00017%; no homozygotes.

Submission:

GeneDx
Classification: Uncertain significance. Last evaluated: 2026-09-22. Review status: criteria provided, single submitter. Criteria: GeneDx Variant Classification Process June 2021. Collection method: clinical testing. Allele origin: germline.
Comment: Not observed at significant frequency in large population cohorts (gnomAD); In silico analysis suggests that this missense variant does not alter protein structure/function; Has not been previously published as pathogenic or benign to our knowledge